The following is an entry in ClinVar:

NM_005633.4(SOS1):c.1963C>A (p.Pro655Thr)

Gene: SOS1 (SOS Ras/Rac guanine nucleotide exchange factor 1; minus strand). Cytogenetic location: 2p22.1.
Variant type: single nucleotide variant.
Coding change: c.1963C>A on transcript NM_005633.4 (MANE Select); coding-DNA position 1963, C replaced by A.
Protein change: p.Pro655Thr; replaces proline 655 with threonine.
Molecular consequence: missense variant.
Genome position (GRCh38, 1-based): chr2:39,013,967, G>T on the plus strand (C>A on the coding strand, the complement: SOS1 is on the minus strand). VCF-style: chr2-39013967-G-T. GRCh37 (hg19) VCF-style: chr2-39241108-G-T.
Other names: c.1942C>A, p.Pro648Thr (NM_001382394.1); c.1963C>A, p.Pro655Thr (NM_001382395.1); short protein forms P655T, P648T.
Identifiers: ClinVar variation 4747101 (VCV004747101.1).
Genomic context (GRCh38, chr2:39,013,967, plus strand): 5'-TCAGTTCTGCACTCAAGGGTTGATCTCCATTCTCTATAGCTATGCGATCAGCTTCTGTTG[G>T]CTCAGGCTCTGGAATTTCAAACCTAACATAAAATAGAACAAATTAATGAAAAGACTAATT-3'
Protein context (NP_005624.2, residues 645-665): IERFEIPEPE[Pro655Thr]TEADRIAIEN

ClinVar aggregate classification (germline): Uncertain significance (1 of 4 stars; one submission).

Conditions:
RASopathy. Also called: Noonan spectrum disorder; rasopathies. Identifiers: Orphanet 536391, MedGen C5555857, MONDO:0021060.

Submission:

Labcorp Genetics (formerly Invitae), Labcorp
Classification: Uncertain significance for RASopathy. Last evaluated: 2025-07-24. Review status: criteria provided, single submitter. Criteria: Invitae Variant Classification Sherloc (09022015). Collection method: clinical testing. Allele origin: germline.
Comment: This sequence change replaces proline, which is neutral and non-polar, with threonine, which is neutral and polar, at codon 655 of the SOS1 protein (p.Pro655Thr). This variant is not present in population databases (gnomAD no frequency). This variant has not been reported in the literature in individuals affected with SOS1-related conditions. Invitae Evidence Modeling of protein sequence and biophysical properties (such as structural, functional, and spatial information, amino acid conservation, physicochemical variation, residue mobility, and thermodynamic stability) indicates that this missense variant is not expected to disrupt SOS1 protein function with a negative predictive value of 95%. In summary, the available evidence is currently insufficient to determine the role of this variant in disease. Therefore, it has been classified as a Variant of Uncertain Significance.